The following is an entry in ClinVar:

NM_004006.3(DMD):c.3277-2A>T

Gene: DMD (dystrophin; minus strand). Cytogenetic location: Xp21.1.
Variant type: single nucleotide variant.
Coding change: c.3277-2A>T on transcript NM_004006.3 (MANE Select); the canonical splice acceptor site of the intron before coding-DNA position 3277, A replaced by T.
Molecular consequence: splice acceptor variant.
Genome position (GRCh38, 1-based): chrX:32,463,596, T>A on the plus strand (A>T on the coding strand, the complement: DMD is on the minus strand). VCF-style: chrX-32463596-T-A. GRCh37 (hg19) VCF-style: chrX-32481713-T-A.
Other names: c.3253-2A>T (NM_000109.4); c.3265-2A>T (NM_004009.3); c.2908-2A>T (NM_004010.3).
Identifiers: ClinVar variation 847190 (VCV000847190.11), dbSNP rs2098391032, ClinGen allele CA412664637.

ClinVar aggregate classification (germline): Pathogenic (1 of 4 stars; one submission).

Conditions:
Duchenne muscular dystrophy (DMD). Also called: Duchenne Muscular Dystrophy (DMD); MUSCULAR DYSTROPHY, PSEUDOHYPERTROPHIC PROGRESSIVE, DUCHENNE TYPE. Identifiers: Orphanet 98896, MedGen C0013264, MONDO:0010679, OMIM 310200.

Submission:

Labcorp Genetics (formerly Invitae), Labcorp
Classification: Pathogenic for Duchenne muscular dystrophy. Last evaluated: 2022-07-18. Review status: criteria provided, single submitter. Criteria: Invitae Variant Classification Sherloc (09022015). Collection method: clinical testing. Allele origin: germline.
Comment: This sequence change affects an acceptor splice site in intron 24 of the DMD gene. It is expected to disrupt RNA splicing. Variants that disrupt the donor or acceptor splice site typically lead to a loss of protein function (PMID: 16199547), and loss-of-function variants in DMD are known to be pathogenic (PMID: 16770791, 25007885). This variant is not present in population databases (gnomAD no frequency). For these reasons, this variant has been classified as Pathogenic. Algorithms developed to predict the effect of sequence changes on RNA splicing suggest that this variant may disrupt the consensus splice site. ClinVar contains an entry for this variant (Variation ID: 847190). Disruption of this splice site has been observed in individuals with DMD-related dystrophinopathy (PMID: 27593222, 34297739).

Literature cited by the submitters: PubMed 16199547; PubMed 16770791; PubMed 25007885; PubMed 27593222; PubMed 34297739.